The following is an entry in ClinVar:

NM_001349884.2(DRAM2):c.440_441delinsCC (p.Gln147Pro)

Gene: DRAM2 (DNA damage regulated autophagy modulator 2; minus strand). Cytogenetic location: 1p13.3.
Variant type: Indel.
Coding change: c.440_441delinsCC on transcript NM_001349884.2 (MANE Select); coding-DNA positions 440 to 441, AG replaced by CC.
Protein change: p.Gln147Pro; replaces glutamine 147 with proline.
Molecular consequence: missense variant. On other transcripts: non-coding transcript variant (8).
Genome position (GRCh38, 1-based): chr1:111,120,592-111,120,593, CT replaced by GG on the plus strand (AG replaced by CC on the coding strand, the reverse complement: DRAM2 is on the minus strand). VCF-style: chr1-111120592-CT-GG. GRCh37 (hg19) VCF-style: chr1-111663214-CT-GG.
Other names: c.440_441delinsCC, p.Gln147Pro (NM_001349881.2, NM_001349882.2, NM_001349885.2 and 1 more transcripts); c.170_171delinsCC, p.Gln57Pro (NM_001349886.2, NM_001349887.2, NM_001349888.2); c.50_51delinsCC, p.Gln17Pro (NM_001349889.2, NM_001349890.2, NM_001349891.2 and 2 more transcripts); short protein forms Q57P, Q17P, Q147P.
Identifiers: ClinVar variation 2003336 (VCV002003336.4), dbSNP rs2524698102, ClinGen allele CA2580060801.

ClinVar aggregate classification (germline): Uncertain significance (1 of 4 stars; one submission).

Submission:

Labcorp Genetics (formerly Invitae), Labcorp
Classification: Uncertain significance. Last evaluated: 2022-06-08. Review status: criteria provided, single submitter. Criteria: Invitae Variant Classification Sherloc (09022015). Collection method: clinical testing. Allele origin: germline.
Comment: In summary, the available evidence is currently insufficient to determine the role of this variant in disease. Therefore, it has been classified as a Variant of Uncertain Significance. Algorithms developed to predict the effect of missense changes on protein structure and function are either unavailable or do not agree on the potential impact of this missense change (SIFT: "Not Available"; PolyPhen-2: "Probably Damaging"; Align-GVGD: "Not Available"). This missense change has been observed in individual(s) with cone-rod dystrophy (Invitae). Information on the frequency of this variant in the gnomAD database is not available, as this variant may be reported differently in the database. This sequence change replaces glutamine, which is neutral and polar, with proline, which is neutral and non-polar, at codon 147 of the DRAM2 protein (p.Gln147Pro).